The following is an entry in ClinVar:

ClinVar aggregate classification (germline): Pathogenic (1 of 4 stars; one submission).

Conditions:
CHARGE syndrome (CHARGE). Also called: Coloboma, heart anomaly, choanal atresia, retardation, genital and ear anomalies; CHARGE association; Hall-Hittner syndrome; Hittner Hirsch Kreh syndrome; CHARGE ASSOCIATION--COLOBOMA, HEART ANOMALY, CHOANAL ATRESIA, RETARDATION, GENITAL AND EAR ANOMALIES. Identifiers: Orphanet 138, MedGen C0265354, MONDO:0008965.

Submission:

Labcorp Genetics (formerly Invitae), Labcorp
Classification: Pathogenic for CHARGE syndrome. Last evaluated: 2020-11-27. Review status: criteria provided, single submitter. Criteria: Invitae Variant Classification Sherloc (09022015). Collection method: clinical testing. Allele origin: germline.
Comment: For these reasons, this variant has been classified as Pathogenic. This variant has not been reported in the literature in individuals with CHD7-related conditions. This variant is not present in population databases (ExAC no frequency). This sequence change creates a premature translational stop signal (p.Pro2178Alafs*2) in the CHD7 gene. It is expected to result in an absent or disrupted protein product. Loss-of-function variants in CHD7 are known to be pathogenic (PMID: 22461308, 25077900).

Literature cited by the submitters: PubMed 22461308; PubMed 25077900.

NM_017780.4(CHD7):c.6531dup (p.Pro2178fs)

Gene: CHD7 (chromodomain helicase DNA binding protein 7; plus strand). Cytogenetic location: 8q12.2.
Variant type: Duplication.
Coding change: c.6531dup on transcript NM_017780.4 (MANE Select); coding-DNA position 6531, one base duplicated (G; older notation c.6531dupG).
Protein change: p.Pro2178fs; shifts the reading frame from proline 2178.
Molecular consequence: frameshift variant. On other transcripts: intron variant (1).
Genome position (GRCh38, 1-based): chr8:60,853,256, G duplicated. VCF-style (leftmost placement, unchanged base first): chr8-60853255-A-AG. GRCh37 (hg19) VCF-style: chr8-61765814-A-AG.
Other names: c.1717-8973dup (NM_001316690.1); short protein forms P2178fs.
Identifiers: ClinVar variation 1451416 (VCV001451416.6), dbSNP rs2150810800, ClinGen allele CA2573143274.